The following is an entry in ClinVar:

NM_000393.5(COL5A2):c.2570C>T (p.Pro857Leu)

Gene: COL5A2 (collagen type V alpha 2 chain; minus strand). Cytogenetic location: 2q32.2.
Variant type: single nucleotide variant.
Coding change: c.2570C>T on transcript NM_000393.5 (MANE Select); coding-DNA position 2570, C replaced by T.
Protein change: p.Pro857Leu; replaces proline 857 with leucine.
Molecular consequence: missense variant.
Genome position (GRCh38, 1-based): chr2:189,053,002, G>A on the plus strand (C>T on the coding strand, the complement: COL5A2 is on the minus strand). VCF-style: chr2-189053002-G-A. GRCh37 (hg19) VCF-style: chr2-189917728-G-A.
Other names: p.Pro857Leu; short protein forms P857L.
Identifiers: ClinVar variation 1677744 (VCV001677744.8), dbSNP rs938162476, ClinGen allele CA62597041.

ClinVar aggregate classification (germline): Uncertain significance. Review status: criteria provided, multiple submitters, no conflicts (2 of 4 stars). 3 submissions from 3 submitters: Uncertain significance (3). Last evaluated 2026-01-28.

Conditions:
Ehlers-Danlos syndrome, classic type, 1 (EDSCL1). Also called: EDS I; Ehlers-Danlos syndrome, type 1; EHLERS-DANLOS SYNDROME, GRAVIS TYPE; EHLERS-DANLOS SYNDROME, SEVERE CLASSIC TYPE; Ehlers-Danlos Syndrome, Classic Type, COL5A1-Related. Identifiers: MedGen C0268335, MONDO:0019567, OMIM 130000.

Allele frequency attached by ClinVar (database versions not stated): gnomAD exomes 0.00001.
gnomAD v4.1: 14 of 1,613,872 alleles (0.00087%); highest among the groups gnomAD compares: Non-Finnish European, 0.0012%; no homozygotes.

Submissions (3):

Labcorp Genetics (formerly Invitae), Labcorp
Classification: Uncertain significance for Ehlers-Danlos syndrome, classic type, 1. Last evaluated: 2026-01-28. Review status: criteria provided, single submitter. Criteria: Invitae Variant Classification Sherloc (09022015). Collection method: clinical testing. Allele origin: germline.
Comment: This sequence change replaces proline, which is neutral and non-polar, with leucine, which is neutral and non-polar, at codon 857 of the COL5A2 protein (p.Pro857Leu). This variant is not present in population databases (gnomAD no frequency). This variant has not been reported in the literature in individuals affected with COL5A2-related conditions. ClinVar contains an entry for this variant (Variation ID: 1677744). Invitae Evidence Modeling of protein sequence and biophysical properties (such as structural, functional, and spatial information, amino acid conservation, physicochemical variation, residue mobility, and thermodynamic stability) indicates that this missense variant is not expected to disrupt COL5A2 protein function with a negative predictive value of 80%. In summary, the available evidence is currently insufficient to determine the role of this variant in disease. Therefore, it has been classified as a Variant of Uncertain Significance.

Mayo Clinic Laboratories, Mayo Clinic
Classification: Uncertain significance. Last evaluated: 2024-10-10. Review status: criteria provided, single submitter. Criteria: ACMG Guidelines, 2015. Collection method: clinical testing. Allele origin: germline. Observed: 2 variant alleles.
Comment: PP3, PM2_supporting

AiLife Diagnostics
Classification: Uncertain significance. Last evaluated: 2021-12-30. Review status: criteria provided, single submitter. Criteria: ACMG Guidelines, 2015. Collection method: clinical testing. Allele origin: germline. Affected: yes. Observed: 1 variant allele.